The following is an entry in ClinVar:

NM_194277.3(FRMD7):c.568A>G (p.Arg190Gly)

Gene: FRMD7 (FERM domain containing 7; minus strand). Cytogenetic location: Xq26.2.
Variant type: single nucleotide variant.
Coding change: c.568A>G on transcript NM_194277.3 (MANE Select); coding-DNA position 568, A replaced by G.
Protein change: p.Arg190Gly; replaces arginine 190 with glycine.
Molecular consequence: missense variant.
Genome position (GRCh38, 1-based): chrX:132,085,658, T>C on the plus strand (A>G on the coding strand, the complement: FRMD7 is on the minus strand). VCF-style: chrX-132085658-T-C. GRCh37 (hg19) VCF-style: chrX-131219686-T-C.
Other names: c.523A>G, p.Arg175Gly (NM_001306193.2); short protein forms R175G, R190G.
Identifiers: ClinVar variation 1305048 (VCV001305048.4), dbSNP rs2124223282, ClinGen allele CA414681103.
Genomic context (GRCh38, chrX:132,085,658, plus strand): 5'-CCATGTGAGCAACAGCCAGGTGAATCTGCATCCCTTCACCATCACTGGCGGGGTGAGGCC[T>C]GATGCCATACATATCCAGCTTCCTTGCTATGTCCAGTAGCAGAATGTCAGATTCAGCTGG-3'
Protein context (NP_919253.1, residues 180-200): IARKLDMYGI[Arg190Gly]PHPASDGEGM

ClinVar aggregate classification (germline): Conflicting classifications of pathogenicity. Review status: criteria provided, conflicting classifications (1 of 4 stars). 2 submissions from 2 submitters: Likely pathogenic (1); Uncertain significance (1). Last evaluated 2024-08-12.

Submissions (2):

Labcorp Genetics (formerly Invitae), Labcorp
Classification: Likely pathogenic. Last evaluated: 2024-08-12. Review status: criteria provided, single submitter. Criteria: Invitae Variant Classification Sherloc (09022015). Collection method: clinical testing. Allele origin: germline.
Comment: This sequence change replaces arginine, which is basic and polar, with glycine, which is neutral and non-polar, at codon 190 of the FRMD7 protein (p.Arg190Gly). This variant is not present in population databases (gnomAD no frequency). This missense change has been observed in individual(s) with congenital nystagmus (Invitae). In at least one individual the variant was observed to be de novo. ClinVar contains an entry for this variant (Variation ID: 1305048). An algorithm developed to predict the effect of missense changes on protein structure and function (PolyPhen-2) suggests that this variant is likely to be disruptive. In summary, the currently available evidence indicates that the variant is pathogenic, but additional data are needed to prove that conclusively. Therefore, this variant has been classified as Likely Pathogenic.

GeneDx
Classification: Uncertain significance. Last evaluated: 2019-04-05. Review status: criteria provided, single submitter. Criteria: GeneDx Variant Classification Process June 2021. Collection method: clinical testing. Allele origin: germline. Affected: yes.
Comment: Not observed in large population cohorts (Lek et al., 2016); Has not been previously published as pathogenic or benign to our knowledge